The following is an entry in ClinVar:

ClinVar aggregate classification (germline): Uncertain significance (1 of 4 stars; one submission).

Submission:

Labcorp Genetics (formerly Invitae), Labcorp
Classification: Uncertain significance. Last evaluated: 2024-02-17. Review status: criteria provided, single submitter. Criteria: Invitae Variant Classification Sherloc (09022015). Collection method: clinical testing. Allele origin: germline.
Comment: This variant, c.184_186dup, results in the insertion of 1 amino acid(s) of the COL10A1 protein (p.Pro62dup), but otherwise preserves the integrity of the reading frame. This variant is not present in population databases (gnomAD no frequency). This variant has not been reported in the literature in individuals affected with COL10A1-related conditions. In summary, the available evidence is currently insufficient to determine the role of this variant in disease. Therefore, it has been classified as a Variant of Uncertain Significance.

NM_000493.4(COL10A1):c.184_186dup (p.Pro62_Gly63insPro)

Genes: NT5DC1 (5'-nucleotidase domain containing 1; plus strand), COL10A1 (collagen type X alpha 1 chain; minus strand). Cytogenetic location: 6q22.1.
Variant type: Duplication.
Coding change: c.184_186dup on transcript NM_000493.4 (MANE Select); coding-DNA positions 184 to 186, 3 bases duplicated (CCT; older notation c.184_186dupCCT).
Protein change: p.Pro62_Gly63insPro.
Molecular consequence: inframe insertion. On other transcripts: intron variant (1).
Genome position (GRCh38, 1-based): chr6:116,121,930-116,121,932, AGG duplicated on the plus strand (CCT on the coding strand, the reverse complement: COL10A1 is on the minus strand); duplicating any 3 consecutive bases within chr6:116,121,930-116,121,934 gives the same sequence; the c. name uses the placement nearest the transcript's 3' end. VCF-style (leftmost placement, unchanged base first): chr6-116121929-C-CAGG. GRCh37 (hg19) VCF-style: chr6-116443092-C-CAGG.
Other names: c.184_186dup, p.Pro62_Gly63insPro (NM_001424106.1, NM_001424107.1); c.529+3987_529+3989dup (NM_152729.3).
Identifiers: ClinVar variation 2709410 (VCV002709410.3), dbSNP rs2534092993, ClinGen allele CA2697553662.